The following is an entry in ClinVar:

ClinVar aggregate classification (germline): Uncertain significance. Review status: criteria provided, multiple submitters, no conflicts (2 of 4 stars). 3 submissions from 3 submitters: Uncertain significance (3). Last evaluated 2024-09-03.

Conditions:
Inborn genetic diseases. Identifiers: MedGen C0950123, MeSH D030342.

Allele frequency attached by ClinVar (database versions not stated): gnomAD 0.00003; gnomAD exomes 0.00004 and 0.00005; TOPMed 0.00004.
gnomAD v4.1: 67 of 1,537,112 alleles (0.0044%); highest among the groups gnomAD compares: Non-Finnish European, 0.0056%; 1 homozygote.

Submissions (3):

GeneDx
Classification: Uncertain significance. Last evaluated: 2024-09-03. Review status: criteria provided, single submitter. Criteria: GeneDx Variant Classification Process June 2021. Collection method: clinical testing. Allele origin: germline. Affected: yes.
Comment: In silico analysis supports that this missense variant has a deleterious effect on protein structure/function; Has not been previously published as pathogenic or benign to our knowledge

Ambry Genetics
Classification: Uncertain significance for Inborn genetic diseases. Last evaluated: 2023-12-07. Review status: criteria provided, single submitter. Criteria: Ambry Variant Classification Scheme 2023. Collection method: clinical testing. Allele origin: germline.

Labcorp Genetics (formerly Invitae), Labcorp
Classification: Uncertain significance. Last evaluated: 2022-07-05. Review status: criteria provided, single submitter. Criteria: Invitae Variant Classification Sherloc (09022015). Collection method: clinical testing. Allele origin: germline.
Comment: This sequence change replaces aspartic acid, which is acidic and polar, with asparagine, which is neutral and polar, at codon 1347 of the PIEZO2 protein (p.Asp1347Asn). This variant is present in population databases (rs534984825, gnomAD 0.008%). This variant has not been reported in the literature in individuals affected with PIEZO2-related conditions. ClinVar contains an entry for this variant (Variation ID: 1472463). Advanced modeling of protein sequence and biophysical properties (such as structural, functional, and spatial information, amino acid conservation, physicochemical variation, residue mobility, and thermodynamic stability) performed at Invitae indicates that this missense variant is not expected to disrupt PIEZO2 protein function. In summary, the available evidence is currently insufficient to determine the role of this variant in disease. Therefore, it has been classified as a Variant of Uncertain Significance.

NM_001378183.1(PIEZO2):c.4114G>A (p.Asp1372Asn)

Gene: PIEZO2 (piezo type mechanosensitive ion channel component 2; minus strand). Cytogenetic location: 18p11.22.
Variant type: single nucleotide variant.
Coding change: c.4114G>A on transcript NM_001378183.1 (MANE Select); coding-DNA position 4114, G replaced by A.
Protein change: p.Asp1372Asn; replaces aspartic acid 1372 with asparagine.
Molecular consequence: missense variant.
Genome position (GRCh38, 1-based): chr18:10,752,689, C>T on the plus strand (G>A on the coding strand, the complement: PIEZO2 is on the minus strand). VCF-style: chr18-10752689-C-T. GRCh37 (hg19) VCF-style: chr18-10752687-C-T.
Other names: c.4039G>A, p.Asp1347Asn (NM_022068.4); c.4039G>A (NM_022068.2); short protein forms D1372N, D1347N.
Identifiers: ClinVar variation 1472463 (VCV001472463.7), dbSNP rs534984825, ClinGen allele CA296025876.